The following is an entry in ClinVar:

ClinVar aggregate classification (germline): Uncertain significance. Review status: criteria provided, multiple submitters, no conflicts (2 of 4 stars). 3 submissions from 3 submitters: Uncertain significance (3). Last evaluated 2025-12-22.

Conditions:
MIRAGE syndrome. Also called: MYELODYSPLASIA, INFECTION, RESTRICTION OF GROWTH, ADRENAL HYPOPLASIA, GENITAL PHENOTYPES, AND ENTEROPATHY. Identifiers: Orphanet 494433, MedGen C4284088, MONDO:0014888, OMIM 617053.

Allele frequency attached by ClinVar (database versions not stated): gnomAD 0.00001; gnomAD exomes 0.00001 and 0.00002; TOPMed 0.00003.
gnomAD v4.1: 29 of 1,614,032 alleles (0.0018%); highest among the groups gnomAD compares: Non-Finnish European, 0.0024%; no homozygotes.

Submissions (3):

Labcorp Genetics (formerly Invitae), Labcorp
Classification: Uncertain significance. Last evaluated: 2025-12-22. Review status: criteria provided, single submitter. Criteria: Invitae Variant Classification Sherloc (09022015). Collection method: clinical testing. Allele origin: germline.
Comment: This sequence change replaces threonine, which is neutral and polar, with alanine, which is neutral and non-polar, at codon 77 of the SAMD9 protein (p.Thr77Ala). This variant is present in population databases (rs74650267, gnomAD 0.003%). This variant has not been reported in the literature in individuals affected with SAMD9-related conditions. ClinVar contains an entry for this variant (Variation ID: 1337225). Invitae Evidence Modeling of protein sequence and biophysical properties (such as structural, functional, and spatial information, amino acid conservation, physicochemical variation, residue mobility, and thermodynamic stability) indicates that this missense variant is not expected to disrupt SAMD9 protein function with a negative predictive value of 95%. In summary, the available evidence is currently insufficient to determine the role of this variant in disease. Therefore, it has been classified as a Variant of Uncertain Significance.

St. Jude Molecular Pathology, St. Jude Children's Research Hospital
Classification: Uncertain significance for MIRAGE syndrome. Last evaluated: 2023-08-16. Review status: criteria provided, single submitter. Criteria: St. Jude Assertion Criteria 2020. Collection method: clinical testing. Allele origin: germline.
Comment: The SAMD9 c.229A>G (p.Thr77Ala) missense change has a maximum subpopulation frequency of 0.0026% in gnomAD v2.1.1. The in silico tool REVEL predicts a benign effect on protein function, however in silico predictions have not been found to correlate with syndromic risk and are thus not considered supporting evidence of a pathogenic or benign effect (PMID: 34621053). This variant has not been reported in individuals with SAMD9-associated conditions. In summary, the evidence currently available is insufficient to determine the clinical significance of this variant. It has therefore been classified as of uncertain significance.

Genetic Services Laboratory, University of Chicago
Classification: Uncertain significance. Last evaluated: 2019-06-21. Review status: criteria provided, single submitter. Criteria: ACMG Guidelines, 2015. Collection method: clinical testing. Allele origin: germline. Affected: no.

NM_017654.4(SAMD9):c.229A>G (p.Thr77Ala)

Gene: SAMD9 (sterile alpha motif domain containing 9; minus strand). Cytogenetic location: 7q21.2.
Variant type: single nucleotide variant.
Coding change: c.229A>G on transcript NM_017654.4 (MANE Select); coding-DNA position 229, A replaced by G.
Protein change: p.Thr77Ala; replaces threonine 77 with alanine.
Molecular consequence: missense variant.
Genome position (GRCh38, 1-based): chr7:93,105,869, T>C on the plus strand (A>G on the coding strand, the complement: SAMD9 is on the minus strand). VCF-style: chr7-93105869-T-C. GRCh37 (hg19) VCF-style: chr7-92735182-T-C.
Other names: c.229A>G, p.Thr77Ala (NM_001193307.2); short protein forms T77A.
Identifiers: ClinVar variation 1337225 (VCV001337225.12), dbSNP rs74650267, ClinGen allele CA161995140.
Genomic context (GRCh38, chr7:93,105,869, plus strand): 5'-TAGGAGCATTTTTACTGGGCTTTCCCATCTTAGATGTCTGAATCGAATCTTCAATGGCTG[T>C]TTTCCGCAATTCTTTGAATAGTTCTTCTATTTGAATAGCTGGTCCATGTGTGATGCCCAT-3'
Protein context (NP_060124.2, residues 67-87): IEELFKELRK[Thr77Ala]AIEDSIQTSK